The following is an entry in ClinVar:

NM_022168.4(IFIH1):c.2623G>A (p.Glu875Lys)

Gene: IFIH1 (interferon induced with helicase C domain 1; minus strand). Cytogenetic location: 2q24.2.
Variant type: single nucleotide variant.
Coding change: c.2623G>A on transcript NM_022168.4 (MANE Select); coding-DNA position 2623, G replaced by A.
Protein change: p.Glu875Lys; replaces glutamic acid 875 with lysine.
Molecular consequence: missense variant.
Genome position (GRCh38, 1-based): chr2:162,268,271, C>T on the plus strand (G>A on the coding strand, the complement: IFIH1 is on the minus strand). VCF-style: chr2-162268271-C-T. GRCh37 (hg19) VCF-style: chr2-163124781-C-T.
Other names: short protein forms E875K.
Identifiers: ClinVar variation 2057784 (VCV002057784.4), dbSNP rs2468944814, ClinGen allele CA348992422.

ClinVar aggregate classification (germline): Uncertain significance (1 of 4 stars; one submission).

Conditions:
Aicardi-Goutieres syndrome 7 (AGS7). Identifiers: Orphanet 51, MedGen C3888244, MONDO:0014367, OMIM 615846.
Singleton-Merten syndrome 1 (SGMRT1). Also called: Widened medullary cavities of bone, aortic calcification, abnormal dentition, and muscular weakness; Syndrome of widened medullary cavities of the metacarpals and phalanges, aortic calcification and abnormal dentition. Identifiers: Orphanet 85191, MedGen C4225427, MONDO:0024535, OMIM 182250.

Submission:

Labcorp Genetics (formerly Invitae), Labcorp
Classification: Uncertain significance for Aicardi-Goutieres syndrome 7; Singleton-Merten syndrome 1. Last evaluated: 2022-10-25. Review status: criteria provided, single submitter. Criteria: Invitae Variant Classification Sherloc (09022015). Collection method: clinical testing. Allele origin: germline.
Comment: This sequence change replaces glutamic acid, which is acidic and polar, with lysine, which is basic and polar, at codon 875 of the IFIH1 protein (p.Glu875Lys). This variant is not present in population databases (gnomAD no frequency). This variant has not been reported in the literature in individuals affected with IFIH1-related conditions. Algorithms developed to predict the effect of missense changes on protein structure and function (SIFT, PolyPhen-2, Align-GVGD) all suggest that this variant is likely to be tolerated. In summary, the available evidence is currently insufficient to determine the role of this variant in disease. Therefore, it has been classified as a Variant of Uncertain Significance.